The following is an entry in ClinVar:

ClinVar aggregate classification (germline): Uncertain significance (1 of 4 stars; one submission).

gnomAD v4.1: 1 of 1,614,172 alleles (0.000062%); highest among the groups gnomAD compares: East Asian, 0.0022%; no homozygotes.

Submission:

OLLIN Analises Genomicas, OLLIN
Classification: Uncertain significance. Last evaluated: 2026-08-06. Review status: criteria provided, single submitter. Criteria: ACMG Guidelines 2015 PMID 25741868. Collection method: clinical testing. Allele origin: germline.
Comment: This missense variant, located in exon 4 (of 11), has been observed in gnomAD with an allele frequency of 0.000062%, but has not been reported in ClinVar or identified in the literature. In silico analysis predicts that this variant has a tolerated effect. This gene is constrained for missense variation. According to the currently available evidence, this variant has been classified as uncertain significance (PM2_P, PP2, BP4_M).

NM_001112.4(ADARB1):c.581C>T (p.Ser194Phe)

Gene: ADARB1 (adenosine deaminase RNA specific B1; plus strand). Cytogenetic location: 21q22.3.
Variant type: single nucleotide variant.
Coding change: c.581C>T on transcript NM_001112.4 (MANE Select); coding-DNA position 581, C replaced by T.
Protein change: p.Ser194Phe; replaces serine 194 with phenylalanine.
Molecular consequence: missense variant. On other transcripts: non-coding transcript variant (4).
Genome position (GRCh38, 1-based): chr21:45,176,282, C>T. VCF-style: chr21-45176282-C-T. GRCh37 (hg19) VCF-style: chr21-46596197-C-T.
Other names: c.581C>T, p.Ser194Phe (NM_001160230.2, NM_001346688.2, NM_015833.4 and 1 more transcripts); c.728C>T, p.Ser243Phe (NM_001346687.2, NM_001410722.1); short protein forms S194F, S243F.
Identifiers: ClinVar variation 5002938 (VCV005002938.1).